The following is an entry in ClinVar:

ClinVar aggregate classification (germline): Pathogenic (1 of 4 stars; one submission).

Submission:

Labcorp Genetics (formerly Invitae), Labcorp
Classification: Pathogenic. Last evaluated: 2024-09-16. Review status: criteria provided, single submitter. Criteria: Invitae Variant Classification Sherloc (09022015). Collection method: clinical testing. Allele origin: germline.
Comment: This sequence change creates a premature translational stop signal (p.Gln247*) in the CCDC88A gene. It is expected to result in an absent or disrupted protein product. Loss-of-function variants in CCDC88A are known to be pathogenic (PMID: 26917597, 30392057). This variant is not present in population databases (gnomAD no frequency). This variant has not been reported in the literature in individuals affected with CCDC88A-related conditions. ClinVar contains an entry for this variant (Variation ID: 2017679). For these reasons, this variant has been classified as Pathogenic.

Literature cited by the submitters: PubMed 26917597; PubMed 30392057.

NM_001365480.1(CCDC88A):c.739C>T (p.Gln247Ter)

Gene: CCDC88A (coiled-coil and HOOK domain protein 88A; minus strand). Cytogenetic location: 2p16.1.
Variant type: single nucleotide variant.
Coding change: c.739C>T on transcript NM_001365480.1 (MANE Select); coding-DNA position 739, C replaced by T.
Protein change: p.Gln247Ter; replaces glutamine 247 with a stop codon.
Molecular consequence: nonsense.
Genome position (GRCh38, 1-based): chr2:55,355,640, G>A on the plus strand (C>T on the coding strand, the complement: CCDC88A is on the minus strand). VCF-style: chr2-55355640-G-A. GRCh37 (hg19) VCF-style: chr2-55582776-G-A.
Other names: c.739C>T, p.Gln247Ter (NM_001135597.2, NM_001254943.2, NM_018084.5); short protein forms Q247*.
Identifiers: ClinVar variation 2017679 (VCV002017679.4), dbSNP rs2544915127, ClinGen allele CA346909839.